The following is an entry in ClinVar:

NC_000013.10:g.(?_93879710)_(95248390_?)del

Genes: DCT (dopachrome tautomerase; minus strand), GPC6 (glypican 6; plus strand), TGDS (TDP-glucose 4,6-dehydratase; minus strand). Cytogenetic location: 13q31.3-32.1.
Variant type: Deletion.
Identifiers: ClinVar variation 2425401 (VCV002425401.3).

ClinVar aggregate classification (germline): Pathogenic (1 of 4 stars; one submission).

Submission:

Labcorp Genetics (formerly Invitae), Labcorp
Classification: Pathogenic. Last evaluated: 2022-04-18. Review status: criteria provided, single submitter. Criteria: Invitae Variant Classification Sherloc (09022015). Collection method: clinical testing. Allele origin: germline.
Comment: A gross deletion of the genomic region encompassing the full coding sequence of the GPC6 gene has been identified. Loss-of-function variants in GPC6 are known to be pathogenic (PMID: 19481194). The boundaries of this event are unknown as they extend beyond the assayed region for this gene and therefore may encompass additional genes. This variant has not been reported in the literature in individuals affected with GPC6-related conditions. For these reasons, this variant has been classified as Pathogenic.

Literature cited by the submitters: PubMed 19481194.